The following is an entry in ClinVar:

ClinVar aggregate classification (germline): Pathogenic (1 of 4 stars; one submission).

Conditions:
Eichsfeld type congenital muscular dystrophy (CMYO3). Also called: Rigid spine muscular dystrophy 1; MYOPATHY, SEPN1-RELATED; SELENON-related myopathy; Congenital myopathy 3 with rigid spine. Identifiers: MedGen C0410180, MONDO:0100100, OMIM 602771.

Submission:

Labcorp Genetics (formerly Invitae), Labcorp
Classification: Pathogenic for Eichsfeld type congenital muscular dystrophy. Last evaluated: 2020-06-13. Review status: criteria provided, single submitter. Criteria: Invitae Variant Classification Sherloc (09022015). Collection method: clinical testing. Allele origin: germline.
Comment: For these reasons, this variant has been classified as Pathogenic. Loss-of-function variants in SELENON are known to be pathogenic (PMID: 21131290, 21670436). This variant has not been reported in the literature in individuals with SELENON-related conditions. This variant is not present in population databases (ExAC no frequency). This sequence change creates a premature translational stop signal (p.Asp438Glufs*55) in the SELENON gene. It is expected to result in an absent or disrupted protein product.

Literature cited by the submitters: PubMed 21131290; PubMed 21670436.

NM_206926.2(SELENON):c.1212_1215del (p.Asp404fs)

Gene: SELENON (selenoprotein N; plus strand). Cytogenetic location: 1p36.11.
Variant type: Deletion.
Coding change: c.1212_1215del on transcript NM_206926.2 (MANE Select); coding-DNA positions 1212 to 1215, 4 bases deleted (CCGA; older notation c.1212_1215delCCGA).
Protein change: p.Asp404fs; shifts the reading frame from aspartic acid 404.
Molecular consequence: frameshift variant.
Genome position (GRCh38, 1-based): chr1:25,812,719-25,812,722, CCGA deleted; deleting any 4 consecutive bases within chr1:25,812,716-25,812,722 gives the same sequence; the c. name uses the placement nearest the transcript's 3' end. VCF-style (leftmost placement, unchanged base first): chr1-25812715-TCGAC-T. GRCh37 (hg19) VCF-style: chr1-26139206-TCGAC-T.
Other names: c.1314_1317del, p.Asp438fs (NM_020451.3); short protein forms D404fs, D438fs.
Identifiers: ClinVar variation 1075320 (VCV001075320.7), dbSNP rs2124452873, ClinGen allele CA2499214665.